The following is an entry in ClinVar:

NM_002637.4(PHKA1):c.1726A>G (p.Thr576Ala)

Gene: PHKA1 (phosphorylase kinase regulatory subunit alpha 1; minus strand). Cytogenetic location: Xq13.1.
Variant type: single nucleotide variant.
Coding change: c.1726A>G on transcript NM_002637.4 (MANE Select); coding-DNA position 1726, A replaced by G.
Protein change: p.Thr576Ala; replaces threonine 576 with alanine.
Molecular consequence: missense variant.
Genome position (GRCh38, 1-based): chrX:72,627,038, T>C on the plus strand (A>G on the coding strand, the complement: PHKA1 is on the minus strand). VCF-style: chrX-72627038-T-C. GRCh37 (hg19) VCF-style: chrX-71846888-T-C.
Other names: c.1726A>G, p.Thr576Ala (NM_001122670.2, NM_001172436.2); short protein forms T576A.
Identifiers: ClinVar variation 2155824 (VCV002155824.4), dbSNP rs2053085228, ClinGen allele CA413591840.
Genomic context (GRCh38, chrX:72,627,038, plus strand): 5'-CACCAAAATACCCATCTTGCATTTTTCGGAGTGCTGCCAGGATACTTGAATTCAAGCTTG[T>C]TCCATCTTCATCTTGAAATGAACAGAATTTTAAAACAATCTTTGTGGTTTTAACTCTGAA-3'
Protein context (NP_002628.2, residues 566-586): ISHSMLDEDG[Thr576Ala]SLNSSILAAL

ClinVar aggregate classification (germline): Uncertain significance (1 of 4 stars; one submission).

Conditions:
Glycogen storage disease IXd (GSD9D). Also called: GSD IXd; Muscle Phosphorylase Kinase Deficiency. Identifiers: Orphanet 715, MedGen C1845151, MONDO:0010362, OMIM 300559.

Allele frequency attached by ClinVar (database versions not stated): gnomAD exomes below 0.00001; TOPMed below 0.00001; gnomAD 0.00001.
gnomAD v4.1: 2 of 1,200,248 alleles (0.00017%); highest among the groups gnomAD compares: South Asian, 0.0018%; no homozygotes.

Submission:

Labcorp Genetics (formerly Invitae), Labcorp
Classification: Uncertain significance for Glycogen storage disease IXd. Last evaluated: 2022-09-13. Review status: criteria provided, single submitter. Criteria: Invitae Variant Classification Sherloc (09022015). Collection method: clinical testing. Allele origin: germline.
Comment: Advanced modeling of protein sequence and biophysical properties (such as structural, functional, and spatial information, amino acid conservation, physicochemical variation, residue mobility, and thermodynamic stability) performed at Invitae indicates that this missense variant is not expected to disrupt PHKA1 protein function. This variant has not been reported in the literature in individuals affected with PHKA1-related conditions. This variant is not present in population databases (gnomAD no frequency). This sequence change replaces threonine, which is neutral and polar, with alanine, which is neutral and non-polar, at codon 576 of the PHKA1 protein (p.Thr576Ala). In summary, the available evidence is currently insufficient to determine the role of this variant in disease. Therefore, it has been classified as a Variant of Uncertain Significance.